The following is an entry in ClinVar:

ClinVar aggregate classification (germline): Likely benign. Review status: criteria provided, multiple submitters, no conflicts (2 of 4 stars). 3 submissions from 3 submitters: Likely benign (2). 1 of the submissions does not count toward it. Last evaluated 2026-04-21.

Conditions:
LYST-related disorder. Also called: LYST-related condition.
Chédiak-Higashi syndrome (CHS). Also called: Chediak-Higashi Syndrome. Identifiers: Orphanet 167, MedGen C0007965, MONDO:0008963, OMIM 214500.

Allele frequency attached by ClinVar (database versions not stated): ExAC 0.00002; gnomAD exomes 0.00002; TOPMed 0.00002; gnomAD 0.00004; ESP Exome Variant Server 0.00015.
gnomAD v4.1: 32 of 1,610,716 alleles (0.002%); highest among the groups gnomAD compares: Non-Finnish European, 0.0025%; no homozygotes.

Submissions (3):

Women's Health and Genetics/Laboratory Corporation of America, LabCorp
Classification: Likely benign. Last evaluated: 2026-04-21. Review status: criteria provided, single submitter. Criteria: LabCorp Variant Classification Summary - May 2015. Collection method: clinical testing. Allele origin: germline.

Labcorp Genetics (formerly Invitae), Labcorp
Classification: Likely benign for Chédiak-Higashi syndrome. Last evaluated: 2025-08-25. Review status: criteria provided, single submitter. Criteria: Invitae Variant Classification Sherloc (09022015). Collection method: clinical testing. Allele origin: germline.

PreventionGenetics, part of Exact Sciences
Classification: Likely benign for LYST-related condition. Last evaluated: 2019-03-05. Review status: no assertion criteria provided. Collection method: clinical testing. Allele origin: germline. Not counted in ClinVar's aggregate classification.
Comment: This variant is classified as likely benign based on ACMG/AMP sequence variant interpretation guidelines (Richards et al. 2015 PMID: 25741868, with internal and published modifications).

NM_000081.4(LYST):c.3465A>G (p.Gln1155=)

Gene: LYST (lysosomal trafficking regulator; minus strand). Cytogenetic location: 1q42.3.
Variant type: single nucleotide variant.
Coding change: c.3465A>G on transcript NM_000081.4 (MANE Select); coding-DNA position 3465, A replaced by G.
Protein change: p.Gln1155=; no amino-acid change (glutamine 1155 retained).
Molecular consequence: synonymous variant.
Genome position (GRCh38, 1-based): chr1:235,804,594, T>C on the plus strand (A>G on the coding strand, the complement: LYST is on the minus strand). VCF-style: chr1-235804594-T-C. GRCh37 (hg19) VCF-style: chr1-235967894-T-C.
Other names: c.3465A>G, p.Gln1155= (NM_001301365.1).
Identifiers: ClinVar variation 773988 (VCV000773988.12), dbSNP rs142982293, ClinGen allele CA1467068.